The following is an entry in ClinVar:

ClinVar aggregate classification (germline): Pathogenic/Likely pathogenic. Review status: criteria provided, multiple submitters, no conflicts (2 of 4 stars). 5 submissions from 5 submitters: Pathogenic (1); Likely pathogenic (3). 1 of the submissions does not count toward it. Last evaluated 2025-05-08.

Conditions:
Argininosuccinate lyase deficiency. Also called: Argininosuccinic aciduria; ARGININOSUCCINIC ACID LYASE DEFICIENCY; ASL DEFICIENCY. Identifiers: Orphanet 23, MedGen C0268547, MONDO:0008815, OMIM 207900, HP:0025630.

Allele frequency attached by ClinVar (database versions not stated): ExAC 0.00001; gnomAD 0.00001 and 0.00002; gnomAD exomes 0.00001; TOPMed 0.00001.

Submissions (5):

Natera, Inc.
Classification: Likely pathogenic for Argininosuccinate lyase deficiency. Last evaluated: 2025-05-08. Review status: criteria provided, single submitter. Criteria: Natera Variant Classification Schema (03/2026). Collection method: clinical testing. Allele origin: germline.
Comment: The c.377G>A variant in ASL is a missense variant predicted to cause substitution of arginine to glutamine at amino acid 126. This variant is rare in the general population with a frequency below the threshold expected for the associated phenotype(s). This variant has been observed in one or more individuals affected with the associated recessive disease, as either homozygous or compound heterozygous with a second variant (PMID: 28251416, 36787440). A different variant at the same position has been determined to be Pathogenic or Likely Pathogenic. Computational prediction algorithms indicate this variant is likely to affect gene or protein function. Given the available evidence, this variant is classified as Likely Pathogenic.

Fulgent Genetics
Classification: Likely pathogenic for Argininosuccinate lyase deficiency. Last evaluated: 2024-06-14. Review status: criteria provided, single submitter. Criteria: ACMG Guidelines, 2015. Collection method: clinical testing. Allele origin: germline.

Labcorp Genetics (formerly Invitae), Labcorp
Classification: Pathogenic for Argininosuccinate lyase deficiency. Last evaluated: 2024-03-07. Review status: criteria provided, single submitter. Criteria: Invitae Variant Classification Sherloc (09022015). Collection method: clinical testing. Allele origin: germline.
Comment: This sequence change replaces arginine, which is basic and polar, with glutamine, which is neutral and polar, at codon 126 of the ASL protein (p.Arg126Gln). This variant is present in population databases (rs777235530, gnomAD 0.004%). This missense change has been observed in individual(s) with argininosuccinate lyase deficiency (PMID: 28251416; Invitae). ClinVar contains an entry for this variant (Variation ID: 556429). Advanced modeling of protein sequence and biophysical properties (such as structural, functional, and spatial information, amino acid conservation, physicochemical variation, residue mobility, and thermodynamic stability) performed at Invitae indicates that this missense variant is expected to disrupt ASL protein function with a positive predictive value of 95%. This variant disrupts the p.Arg126 amino acid residue in ASL. Other variant(s) that disrupt this residue have been observed in individuals with ASL-related conditions (PMID: 20236848, 24166829), which suggests that this may be a clinically significant amino acid residue. For these reasons, this variant has been classified as Pathogenic.

Juno Genomics, Hangzhou Juno Genomics, Inc
Classification: Likely pathogenic for Argininosuccinate lyase deficiency. Review status: criteria provided, single submitter. Criteria: ACMG Guidelines, 2015. Collection method: clinical testing. Allele origin: germline.
Comment: Absent from controls (or at extremely low frequency if recessive) in Genome Aggregation Database.;Multiple lines of computational evidence support a deleterious effect on the gene or gene product.;For recessive disorders, detected in trans with a pathogenic variant.;Novel missense change at an amino acid residue where a different missense change determined to be pathogenic has been seen before.

Counsyl
Classification: Uncertain significance for Argininosuccinate lyase deficiency. Last evaluated: 2018-02-05. Review status: no assertion criteria provided. Collection method: clinical testing. Allele origin: unknown. Not counted in ClinVar's aggregate classification.

Literature cited by the submitters: PubMed 28251416 (cited by 3 submitters); PubMed 36787440 (cited by Natera, Inc.); PubMed 20236848 (cited by Labcorp Genetics (formerly Invitae), Labcorp); PubMed 24166829 (cited by Labcorp Genetics (formerly Invitae), Labcorp).

NM_000048.4(ASL):c.377G>A (p.Arg126Gln)

Gene: ASL (argininosuccinate lyase; plus strand). Cytogenetic location: 7q11.21.
Variant type: single nucleotide variant.
Coding change: c.377G>A on transcript NM_000048.4 (MANE Select); coding-DNA position 377, G replaced by A.
Protein change: p.Arg126Gln; replaces arginine 126 with glutamine.
Molecular consequence: missense variant.
Genome position (GRCh38, 1-based): chr7:66,083,105, G>A. VCF-style: chr7-66083105-G-A. GRCh37 (hg19) VCF-style: chr7-65548092-G-A.
Other names: c.377G>A, p.Arg126Gln (NM_001024943.2, NM_001024944.2, NM_001024946.2); short protein forms R126Q.
Identifiers: ClinVar variation 556429 (VCV000556429.21), dbSNP rs777235530, ClinGen allele CA4276936.